The following is an entry in ClinVar:

ClinVar aggregate classification (germline): Uncertain significance. Review status: criteria provided, single submitter (1 of 4 stars). 2 submissions from 2 submitters: Uncertain significance (1). 1 of the submissions does not count toward it. Last evaluated 2025-06-16.

Conditions:
Prostate cancer. Also called: Malignant tumor of prostate. Identifiers: Orphanet 1331, MedGen C0376358, MONDO:0008315, HP:0012125.

Allele frequency attached by ClinVar (database versions not stated): TOPMed below 0.00001; gnomAD exomes 0.00001; gnomAD 0.00001; 1000 Genomes Project 30x 0.00016; ExAC 0.00002.
gnomAD v4.1: 9 of 1,613,836 alleles (0.00056%); highest among the groups gnomAD compares: Admixed American, 0.0067%; no homozygotes.

Submissions (2):

Ambry Genetics
Classification: Uncertain significance. Last evaluated: 2025-06-16. Review status: criteria provided, single submitter. Criteria: Ambry Variant Classification Scheme 2023. Collection method: clinical testing. Allele origin: germline.

Science for Life laboratory,  Karolinska Institutet
Classification: Uncertain significance for Malignant tumor of prostate. Review status: no assertion criteria provided. Collection method: not provided. Allele origin: somatic. Not counted in ClinVar's aggregate classification.
Comment: TumorID:SWE-11
ClinVar note: Converted during submission from Unknown to Uncertain significance.

NM_031272.5(TEX14):c.3172-1908C>T

Gene: TEX14 (testis expressed 14, intercellular bridge forming factor; minus strand). Cytogenetic location: 17q22.
Variant type: single nucleotide variant.
Coding change: c.3172-1908C>T on transcript NM_031272.5 (MANE Select); 1908 bases into the intron before coding-DNA position 3172, C replaced by T.
Molecular consequence: intron variant. On other transcripts: missense variant (2).
Genome position (GRCh38, 1-based): chr17:58,581,639, G>A on the plus strand (C>T on the coding strand, the complement: TEX14 is on the minus strand). VCF-style: chr17-58581639-G-A. GRCh37 (hg19) VCF-style: chr17-56659000-G-A.
Other names: c.3281C>T, p.Ser1094Leu (NM_001201457.2); c.3263C>T, p.Ser1088Leu (NM_198393.4); short protein forms S1088L, S1094L.
Identifiers: ClinVar variation 161852 (VCV000161852.3), dbSNP rs193920796, ClinGen allele CA174908.